The following is an entry in ClinVar:

ClinVar aggregate classification (germline): Uncertain significance (1 of 4 stars; one submission).

Conditions:
Hereditary cancer-predisposing syndrome. Also called: Hereditary neoplastic syndrome; Neoplastic Syndromes, Hereditary; Tumor predisposition; Hereditary Cancer Syndrome. Identifiers: Orphanet 140162, MedGen C0027672, MeSH D009386, MONDO:0015356.

Submission:

Ambry Genetics
Classification: Uncertain significance for Hereditary cancer-predisposing syndrome. Last evaluated: 2021-12-10. Review status: criteria provided, single submitter. Criteria: Ambry Variant Classification Scheme 2023. Collection method: clinical testing. Allele origin: germline.
Comment: The p.S2209T variant (also known as c.6625T>A), located in coding exon 45 of the ATM gene, results from a T to A substitution at nucleotide position 6625. The serine at codon 2209 is replaced by threonine, an amino acid with similar properties. This amino acid position is conserved. In addition, the in silico prediction for this alteration is inconclusive. Since supporting evidence is limited at this time, the clinical significance of this alteration remains unclear.

NM_000051.4(ATM):c.6625T>A (p.Ser2209Thr)

Genes: ATM (ATM serine/threonine kinase; plus strand), C11orf65 (chromosome 11 open reading frame 65; minus strand). Cytogenetic location: 11q22.3.
Variant type: single nucleotide variant.
Coding change: c.6625T>A on transcript NM_000051.4 (MANE Select); coding-DNA position 6625, T replaced by A.
Protein change: p.Ser2209Thr; replaces serine 2209 with threonine.
Molecular consequence: missense variant. On other transcripts: intron variant (2).
Genome position (GRCh38, 1-based): chr11:108,325,362, T>A. VCF-style: chr11-108325362-T-A. GRCh37 (hg19) VCF-style: chr11-108196089-T-A.
Other names: c.6625T>A, p.Ser2209Thr (NM_001351834.2); c.641-16291A>T (NM_001330368.2); c.*38+9858A>T (NM_001351110.2); short protein forms S2209T.
Identifiers: ClinVar variation 1754540 (VCV001754540.2), dbSNP rs2547200768, ClinGen allele CA382554759.